The following is an entry in ClinVar:

NM_005055.5(RAPSN):c.29T>C (p.Ile10Thr)

Gene: RAPSN (receptor associated protein of the synapse; minus strand). Cytogenetic location: 11p11.2.
Variant type: single nucleotide variant.
Coding change: c.29T>C on transcript NM_005055.5 (MANE Select); coding-DNA position 29, T replaced by C.
Protein change: p.Ile10Thr; replaces isoleucine 10 with threonine.
Molecular consequence: missense variant.
Genome position (GRCh38, 1-based): chr11:47,448,936, A>G on the plus strand (T>C on the coding strand, the complement: RAPSN is on the minus strand). VCF-style: chr11-47448936-A-G. GRCh37 (hg19) VCF-style: chr11-47470488-A-G.
Other names: c.29T>C, p.Ile10Thr (NM_032645.5); c.29T>C (NM_005055.4); short protein forms I10T.
Identifiers: ClinVar variation 2173350 (VCV002173350.5), dbSNP rs2076433239, ClinGen allele CA380337285.
Genomic context (GRCh38, chr11:47,448,936, plus strand): 5'-GTCCACACCTGCAATGCCTTCTCTGTCTGGTTGGACTGGTACAGCTGGAGCCCCTTCTCG[A>G]TCTGCTGCTTGGTCTGGTCCTGCCCCATCCTCCCCAAGCCCTGTGTCCCACGTGGGGTGA-3'
Protein context (NP_005046.2, residues 1-20): MGQDQTKQQ[Ile10Thr]EKGLQLYQSN

ClinVar aggregate classification (germline): Uncertain significance. Review status: criteria provided, multiple submitters, no conflicts (2 of 4 stars). 2 submissions from 2 submitters: Uncertain significance (2). Last evaluated 2024-12-05.

Conditions:
Inborn genetic diseases. Identifiers: MedGen C0950123, MeSH D030342.
Fetal akinesia deformation sequence 1 (FADS1). Also called: Pena-Shokeir syndrome type I; Fetal akinesia sequence. Identifiers: Orphanet 994, MedGen C1276035, MONDO:0100101, OMIM 208150, HP:0001989.
Congenital myasthenic syndrome 11. Also called: MYASTHENIC SYNDROME, CONGENITAL, Ie; Myasthenic syndrome, congenital, 11, associated with acetylcholine receptor deficiency. Identifiers: Orphanet 590, MedGen C4225367, MONDO:0014588, OMIM 616326.

Allele frequency attached by ClinVar (database versions not stated): TOPMed below 0.00001.

Submissions (2):

Ambry Genetics
Classification: Uncertain significance for Inborn genetic diseases. Last evaluated: 2024-12-05. Review status: criteria provided, single submitter. Criteria: Ambry Variant Classification Scheme 2023. Collection method: clinical testing. Allele origin: germline.

Labcorp Genetics (formerly Invitae), Labcorp
Classification: Uncertain significance for Congenital myasthenic syndrome 11; Fetal akinesia deformation sequence 1. Last evaluated: 2022-08-08. Review status: criteria provided, single submitter. Criteria: Invitae Variant Classification Sherloc (09022015). Collection method: clinical testing. Allele origin: germline.
Comment: In summary, the available evidence is currently insufficient to determine the role of this variant in disease. Therefore, it has been classified as a Variant of Uncertain Significance. Algorithms developed to predict the effect of missense changes on protein structure and function (SIFT, PolyPhen-2, Align-GVGD) all suggest that this variant is likely to be disruptive. This variant has not been reported in the literature in individuals affected with RAPSN-related conditions. This variant is not present in population databases (gnomAD no frequency). This sequence change replaces isoleucine, which is neutral and non-polar, with threonine, which is neutral and polar, at codon 10 of the RAPSN protein (p.Ile10Thr).